The following is an entry in ClinVar:

ClinVar aggregate classification (germline): Uncertain significance. Review status: criteria provided, multiple submitters, no conflicts (2 of 4 stars). 3 submissions from 3 submitters: Uncertain significance (3). Last evaluated 2024-06-16.

Conditions:
Hereditary spastic paraplegia 28. Also called: Spastic paraplegia 28, autosomal recessive. Identifiers: Orphanet 101008, MedGen C1836295, MONDO:0012256, OMIM 609340.

Allele frequency attached by ClinVar (database versions not stated): gnomAD 0.00006; TOPMed 0.00011; ExAC 0.00013; gnomAD exomes 0.00014.
gnomAD v4.1: 99 of 1,613,784 alleles (0.0061%); highest among the groups gnomAD compares: Middle Eastern, 0.066%; no homozygotes.

Submissions (3):

Fulgent Genetics
Classification: Uncertain significance for Hereditary spastic paraplegia 28. Last evaluated: 2024-06-16. Review status: criteria provided, single submitter. Criteria: ACMG Guidelines, 2015. Collection method: clinical testing. Allele origin: germline.

Labcorp Genetics (formerly Invitae), Labcorp
Classification: Uncertain significance for Hereditary spastic paraplegia 28. Last evaluated: 2024-02-23. Review status: criteria provided, single submitter. Criteria: Invitae Variant Classification Sherloc (09022015). Collection method: clinical testing. Allele origin: germline.
Comment: This sequence change replaces phenylalanine, which is neutral and non-polar, with leucine, which is neutral and non-polar, at codon 171 of the DDHD1 protein (p.Phe171Leu). This variant is present in population databases (rs768701113, gnomAD 0.1%). This variant has not been reported in the literature in individuals affected with DDHD1-related conditions. ClinVar contains an entry for this variant (Variation ID: 1254555). Advanced modeling of protein sequence and biophysical properties (such as structural, functional, and spatial information, amino acid conservation, physicochemical variation, residue mobility, and thermodynamic stability) performed at Invitae indicates that this missense variant is not expected to disrupt DDHD1 protein function with a negative predictive value of 80%. In summary, the available evidence is currently insufficient to determine the role of this variant in disease. Therefore, it has been classified as a Variant of Uncertain Significance.

GeneDx
Classification: Uncertain significance. Last evaluated: 2024-01-02. Review status: criteria provided, single submitter. Criteria: GeneDx Variant Classification Process June 2021. Collection method: clinical testing. Allele origin: germline. Affected: yes.
Comment: In silico analysis supports that this missense variant has a deleterious effect on protein structure/function; Has not been previously published as pathogenic or benign to our knowledge

NM_001160148.2(DDHD1):c.513C>G (p.Phe171Leu)

Gene: DDHD1 (DDHD domain containing 1; minus strand). Cytogenetic location: 14q22.1.
Variant type: single nucleotide variant.
Coding change: c.513C>G on transcript NM_001160148.2 (MANE Select); coding-DNA position 513, C replaced by G.
Protein change: p.Phe171Leu; replaces phenylalanine 171 with leucine.
Molecular consequence: missense variant.
Genome position (GRCh38, 1-based): chr14:53,152,586, G>C on the plus strand (C>G on the coding strand, the complement: DDHD1 is on the minus strand). VCF-style: chr14-53152586-G-C. GRCh37 (hg19) VCF-style: chr14-53619304-G-C.
Other names: c.513C>G, p.Phe171Leu (NM_001160147.2, NM_030637.3); short protein forms F171L.
Identifiers: ClinVar variation 1254555 (VCV001254555.9), dbSNP rs768701113, ClinGen allele CA7191476.